The following is an entry in ClinVar:

NM_000536.4(RAG2):c.156T>A (p.His52Gln)

Gene: RAG2 (recombination activating 2; minus strand). Cytogenetic location: 11p12.
Variant type: single nucleotide variant.
Coding change: c.156T>A on transcript NM_000536.4 (MANE Select); coding-DNA position 156, T replaced by A.
Protein change: p.His52Gln; replaces histidine 52 with glutamine.
Molecular consequence: missense variant.
Genome position (GRCh38, 1-based): chr11:36,594,013, A>T on the plus strand (T>A on the coding strand, the complement: RAG2 is on the minus strand). VCF-style: chr11-36594013-A-T. GRCh37 (hg19) VCF-style: chr11-36615563-A-T.
Other names: c.156T>A, p.His52Gln (NM_001243785.2, NM_001243786.2); short protein forms H52Q.
Identifiers: ClinVar variation 2154164 (VCV002154164.2), dbSNP rs1851102640, ClinGen allele CA380144386.

ClinVar aggregate classification (germline): Uncertain significance (1 of 4 stars; one submission).

Conditions:
Combined immunodeficiency with skin granulomas. Identifiers: Orphanet 157949, MedGen C2673536, MONDO:0009306, OMIM 233650.
Severe combined immunodeficiency, autosomal recessive, T cell-negative, B cell-negative, NK cell-positive. Also called: SCID, AR, T-cell negative, B-cell negative, NK cell-positive; Severe combined immunodeficiency due to complete RAG1/2 deficiency; SCID, T CELL-NEGATIVE, B CELL-NEGATIVE, NK CELL-POSITIVE. Identifiers: Orphanet 331206, MedGen C1832322, MONDO:0011086, OMIM 601457.

Allele frequency attached by ClinVar (database versions not stated): gnomAD exomes below 0.00001; gnomAD 0.00001.
gnomAD v4.1: 2 of 1,614,044 alleles (0.00012%); highest among the groups gnomAD compares: African/African-American, 0.0013%; no homozygotes.

Submission:

Labcorp Genetics (formerly Invitae), Labcorp
Classification: Uncertain significance for Combined immunodeficiency with skin granulomas; Severe combined immunodeficiency, autosomal recessive, T cell-negative, B cell-negative, NK cell-positive. Last evaluated: 2025-12-16. Review status: criteria provided, single submitter. Criteria: Invitae Variant Classification Sherloc (09022015). Collection method: clinical testing. Allele origin: germline.
Comment: This sequence change replaces histidine, which is basic and polar, with glutamine, which is neutral and polar, at codon 52 of the RAG2 protein (p.His52Gln). This variant is not present in population databases (gnomAD no frequency). This variant has not been reported in the literature in individuals affected with RAG2-related conditions. ClinVar contains an entry for this variant (Variation ID: 2154164). Invitae Evidence Modeling of protein sequence and biophysical properties (such as structural, functional, and spatial information, amino acid conservation, physicochemical variation, residue mobility, and thermodynamic stability) indicates that this missense variant is not expected to disrupt RAG2 protein function with a negative predictive value of 95%. In summary, the available evidence is currently insufficient to determine the role of this variant in disease. Therefore, it has been classified as a Variant of Uncertain Significance.